The following is an entry in ClinVar:

NM_000334.4(SCN4A):c.483-5C>G

Gene: SCN4A (sodium voltage-gated channel alpha subunit 4; minus strand). Cytogenetic location: 17q23.3.
Variant type: single nucleotide variant.
Coding change: c.483-5C>G on transcript NM_000334.4 (MANE Select); 5 bases into the intron before coding-DNA position 483, C replaced by G.
Molecular consequence: intron variant.
Genome position (GRCh38, 1-based): chr17:63,971,855, G>C on the plus strand (C>G on the coding strand, the complement: SCN4A is on the minus strand). VCF-style: chr17-63971855-G-C. GRCh37 (hg19) VCF-style: chr17-62049215-G-C.
Identifiers: ClinVar variation 197135 (VCV000197135.36), dbSNP rs191547933, ClinGen allele CA245098.
Genomic context (GRCh38, chr17:63,971,855, plus strand): 5'-CTCGGGCCAGTATCTTGATGAGGGACTCAAAGGTGTAGATCCCTGTGAAGGTGTACCTGG[G>C]GGGGAGAGGGCCGGCCGGGACAGGCATGTCACCTGGGTAGGGGTCAGTGTGGCAACGACA-3'

ClinVar aggregate classification (germline): Conflicting classifications of pathogenicity. Review status: criteria provided, conflicting classifications (1 of 4 stars). 6 submissions from 6 submitters: Uncertain significance (3); Benign (1); Likely benign (1). 1 of the submissions does not count toward it. Last evaluated 2025-12-11.

Conditions:
SCN4A-related disorder. Also called: SCN4A-related disorders.
Hyperkalemic periodic paralysis. Also called: Gamstorp disease; Familial hyperkalemic periodic paralysis. Identifiers: Orphanet 682, MedGen C0238357, MONDO:0008224, OMIM 170500, HP:0007215.

Allele frequency attached by ClinVar (database versions not stated): 1000 Genomes Project 30x 0.00016; 1000 Genomes Project 0.00020; TOPMed 0.00037.

Submissions (6):

Labcorp Genetics (formerly Invitae), Labcorp
Classification: Benign for Hyperkalemic periodic paralysis. Last evaluated: 2025-12-11. Review status: criteria provided, single submitter. Criteria: Invitae Variant Classification Sherloc (09022015). Collection method: clinical testing. Allele origin: germline.

GeneDx
Classification: Uncertain significance. Last evaluated: 2023-12-28. Review status: criteria provided, single submitter. Criteria: GeneDx Variant Classification Process June 2021. Collection method: clinical testing. Allele origin: germline. Affected: yes.
Comment: Has not been previously published as pathogenic or benign to our knowledge; In silico analysis suggests this variant may impact gene splicing. In the absence of RNA/functional studies, the actual effect of this sequence change is unknown.

Blueprint Genetics
Classification: Likely benign. Last evaluated: 2023-11-23. Review status: criteria provided, single submitter. Criteria: ACMG Guidelines, 2015. Collection method: clinical testing. Allele origin: germline.

Revvity Omics, Revvity
Classification: Uncertain significance. Last evaluated: 2023-06-14. Review status: criteria provided, single submitter. Criteria: ACMG Guidelines, 2015. Collection method: clinical testing. Allele origin: germline.

Eurofins Ntd Llc (ga)
Classification: Uncertain significance. Last evaluated: 2015-06-05. Review status: criteria provided, single submitter. Criteria: EGL Classification Definitions 2015. Collection method: clinical testing. Allele origin: germline. Observed: 1 variant allele, 1 heterozygote.

PreventionGenetics, part of Exact Sciences
Classification: Likely benign for SCN4A-related condition. Last evaluated: 2019-12-10. Review status: no assertion criteria provided. Collection method: clinical testing. Allele origin: germline. Not counted in ClinVar's aggregate classification.
Comment: This variant is classified as likely benign based on ACMG/AMP sequence variant interpretation guidelines (Richards et al. 2015 PMID: 25741868, with internal and published modifications).